The following is an entry in ClinVar:

ClinVar aggregate classification (germline): Uncertain significance (1 of 4 stars; one submission).

Conditions:
Neurofibromatosis, type 1 (NF1). Also called: Neurofibromatosis, type I; VON RECKLINGHAUSEN DISEASE; NEUROFIBROMATOSIS, TYPE I, SOMATIC; Peripheral type neurofibromatosis. Identifiers: Orphanet 636, MedGen C0027831, MONDO:0018975, OMIM 162200. Disease mechanism: loss of function.

Submission:

Labcorp Genetics (formerly Invitae), Labcorp
Classification: Uncertain significance for Neurofibromatosis, type 1. Last evaluated: 2024-11-18. Review status: criteria provided, single submitter. Criteria: Invitae Variant Classification Sherloc (09022015). Collection method: clinical testing. Allele origin: germline.
Comment: This sequence change replaces glycine, which is neutral and non-polar, with glutamic acid, which is acidic and polar, at codon 824 of the NF1 protein (p.Gly824Glu). This variant is not present in population databases (gnomAD no frequency). This variant has not been reported in the literature in individuals affected with NF1-related conditions. ClinVar contains an entry for this variant (Variation ID: 999565). Invitae Evidence Modeling of protein sequence and biophysical properties (such as structural, functional, and spatial information, amino acid conservation, physicochemical variation, residue mobility, and thermodynamic stability) indicates that this missense variant is not expected to disrupt NF1 protein function with a negative predictive value of 95%. In summary, the available evidence is currently insufficient to determine the role of this variant in disease. Therefore, it has been classified as a Variant of Uncertain Significance.

NM_001042492.3(NF1):c.2471G>A (p.Gly824Glu)

Gene: NF1 (neurofibromin 1; plus strand). Cytogenetic location: 17q11.2.
Variant type: single nucleotide variant.
Coding change: c.2471G>A on transcript NM_001042492.3 (MANE Select); coding-DNA position 2471, G replaced by A.
Protein change: p.Gly824Glu; replaces glycine 824 with glutamic acid.
Molecular consequence: missense variant.
Genome position (GRCh38, 1-based): chr17:31,229,086, G>A. VCF-style: chr17-31229086-G-A. GRCh37 (hg19) VCF-style: chr17-29556104-G-A.
Other names: c.2471G>A, p.Gly824Glu (NM_000267.4); short protein forms G824E.
Identifiers: ClinVar variation 999565 (VCV000999565.5), dbSNP rs2067065647, ClinGen allele CA398983992.